The following is an entry in ClinVar:

NM_033004.4(NLRP1):c.221G>T (p.Trp74Leu)

Gene: NLRP1 (NLR family pyrin domain containing 1; minus strand). Cytogenetic location: 17p13.2.
Variant type: single nucleotide variant.
Coding change: c.221G>T on transcript NM_033004.4 (MANE Select); coding-DNA position 221, G replaced by T.
Protein change: p.Trp74Leu; replaces tryptophan 74 with leucine.
Molecular consequence: missense variant.
Genome position (GRCh38, 1-based): chr17:5,583,737, C>A on the plus strand (G>T on the coding strand, the complement: NLRP1 is on the minus strand). VCF-style: chr17-5583737-C-A. GRCh37 (hg19) VCF-style: chr17-5487057-C-A.
Other names: c.221G>T, p.Trp74Leu (NM_001033053.3, NM_014922.5, NM_033006.4 and 1 more transcripts); short protein forms W74L.
Identifiers: ClinVar variation 2874912 (VCV002874912.3), dbSNP rs1905971696, ClinGen allele CA397390808.
Genomic context (GRCh38, chr17:5,583,737, plus strand): 5'-GTCCACTCACCTGCCCCTTCCTGGGCTTGGGCGCACAGTGACCTCAGCCCCATCTGCTCC[C>A]AGGTATGGAGGGCTAGGTCCCAGGCCCGCTGCTCCCCATACTGAGCCACCAGGTACGAGG-3'
Protein context (NP_127497.1, residues 64-84): QRAWDLALHT[Trp74Leu]EQMGLRSLCA

ClinVar aggregate classification (germline): Uncertain significance (1 of 4 stars; one submission).

Allele frequency attached by ClinVar (database versions not stated): TOPMed below 0.00001.

Submission:

Labcorp Genetics (formerly Invitae), Labcorp
Classification: Uncertain significance. Last evaluated: 2024-10-21. Review status: criteria provided, single submitter. Criteria: Invitae Variant Classification Sherloc (09022015). Collection method: clinical testing. Allele origin: germline.
Comment: This sequence change replaces tryptophan, which is neutral and slightly polar, with leucine, which is neutral and non-polar, at codon 74 of the NLRP1 protein (p.Trp74Leu). This variant is not present in population databases (gnomAD no frequency). This variant has not been reported in the literature in individuals affected with NLRP1-related conditions. An algorithm developed to predict the effect of missense changes on protein structure and function outputs the following: PolyPhen-2: "Benign". The leucine amino acid residue is found in multiple mammalian species, which suggests that this missense change does not adversely affect protein function. In summary, the available evidence is currently insufficient to determine the role of this variant in disease. Therefore, it has been classified as a Variant of Uncertain Significance.